The following is an entry in ClinVar:

NM_080680.3(COL11A2):c.1524C>T (p.Gly508=)

Gene: COL11A2 (collagen type XI alpha 2 chain; minus strand). Cytogenetic location: 6p21.32.
Variant type: single nucleotide variant.
Coding change: c.1524C>T on transcript NM_080680.3 (MANE Select); coding-DNA position 1524, C replaced by T.
Protein change: p.Gly508=; no amino-acid change (glycine 508 retained).
Molecular consequence: synonymous variant.
Genome position (GRCh38, 1-based): chr6:33,179,264, G>A on the plus strand (C>T on the coding strand, the complement: COL11A2 is on the minus strand). VCF-style: chr6-33179264-G-A. GRCh37 (hg19) VCF-style: chr6-33147041-G-A.
Other names: c.1203C>T, p.Gly401= (NM_080679.3); c.1266C>T, p.Gly422= (NM_080681.3).
Identifiers: ClinVar variation 508336 (VCV000508336.8), dbSNP rs1465511059, ClinGen allele CA449836176.

ClinVar aggregate classification (germline): Likely benign. Review status: criteria provided, multiple submitters, no conflicts (2 of 4 stars). 3 submissions from 3 submitters: Likely benign (3). Last evaluated 2025-10-12.

Allele frequency attached by ClinVar (database versions not stated): gnomAD exomes 0.00001 and 0.00002.
gnomAD v4.1: 25 of 1,611,620 alleles (0.0016%); highest among the groups gnomAD compares: Non-Finnish European, 0.0021%; no homozygotes.

Submissions (3):

Labcorp Genetics (formerly Invitae), Labcorp
Classification: Likely benign. Last evaluated: 2025-10-12. Review status: criteria provided, single submitter. Criteria: Invitae Variant Classification Sherloc (09022015). Collection method: clinical testing. Allele origin: germline.

Blueprint Genetics
Classification: Likely benign. Last evaluated: 2020-02-06. Review status: criteria provided, single submitter. Criteria: ACMG Guidelines, 2015. Collection method: clinical testing. Allele origin: germline.

GeneDx
Classification: Likely benign. Last evaluated: 2017-03-23. Review status: criteria provided, single submitter. Criteria: GeneDx Variant Classification (06012015). Collection method: clinical testing. Allele origin: germline. Affected: yes.
Comment: This variant is considered likely benign or benign based on one or more of the following criteria: it is a conservative change, it occurs at a poorly conserved position in the protein, it is predicted to be benign by multiple in silico algorithms, and/or has population frequency not consistent with disease.